The following is an entry in ClinVar:

NM_000179.3(MSH6):c.627+1dup

Gene: MSH6 (mutS homolog 6; plus strand). Cytogenetic location: 2p16.3.
Variant type: Duplication.
Coding change: c.627+1dup on transcript NM_000179.3 (MANE Select); the canonical splice donor site of the intron after coding-DNA position 627, one base duplicated (G; older notation c.627+1dupG).
Molecular consequence: splice donor variant. On other transcripts: intron variant (8).
Genome position (GRCh38, 1-based): chr2:47,796,064, G duplicated; the last of 2 consecutive G bases (chr2:47,796,063-47,796,064); duplicating either gives the same sequence. VCF-style (leftmost placement, unchanged base first): chr2-47796062-A-AG. GRCh37 (hg19) VCF-style: chr2-48023201-A-AG.
Other names: c.627+1dup (NM_001406809.1, NM_001406796.1, NM_001406808.1 and 5 more transcripts); c.-279-2547dup (NM_001406811.1, NM_001281493.2, NM_001406812.1 and 4 more transcripts); c.330+1dup (NM_001406805.1, NM_001406797.1, NM_001406801.1 and 10 more transcripts); c.723+1dup (NM_001406795.1, NM_001406802.1); c.633+1dup (NM_001406813.1); c.102+1dup (NM_001406807.1, NM_001406799.1, NM_001406806.1); c.-368+1dup (NM_001406814.1); c.549+1dup (NM_001406804.1); and 3 more.
Identifiers: ClinVar variation 1067507 (VCV001067507.11), dbSNP rs2104241415, ClinGen allele CA2499216090.

ClinVar aggregate classification (germline): Likely pathogenic. Review status: criteria provided, multiple submitters, no conflicts (2 of 4 stars). 2 submissions from 2 submitters: Likely pathogenic (2). Last evaluated 2023-05-01.

Conditions:
Hereditary nonpolyposis colorectal neoplasms. Identifiers: MedGen C0009405, MeSH D003123.
Lynch syndrome 5 (LYNCH5). Also called: Colorectal cancer, hereditary nonpolyposis, type 5; Hereditary non-polyposis colorectal cancer, type 5. Identifiers: Orphanet 144, MedGen C1833477, MONDO:0013710, OMIM 614350. Disease mechanism: loss of function.

Submissions (2):

Myriad Genetics, Inc.
Classification: Likely pathogenic for Lynch syndrome 5. Last evaluated: 2023-05-01. Review status: criteria provided, single submitter. Criteria: Myriad Autosomal Dominant, Autosomal Recessive and X-Linked Classification Criteria (2023). Collection method: clinical testing. Allele origin: unknown.
Comment: This variant is considered likely pathogenic. This variant occurs within a consensus splice junction and is predicted to result in abnormal mRNA splicing of either an out-of-frame exon or an in-frame exon necessary for protein stability and/or normal function.

Labcorp Genetics (formerly Invitae), Labcorp
Classification: Likely pathogenic for Hereditary nonpolyposis colorectal neoplasms. Last evaluated: 2020-02-24. Review status: criteria provided, single submitter. Criteria: Invitae Variant Classification Sherloc (09022015). Collection method: clinical testing. Allele origin: germline.
Comment: In summary, the currently available evidence indicates that the variant is pathogenic, but additional data are needed to prove that conclusively. Therefore, this variant has been classified as Likely Pathogenic. Donor and acceptor splice site variants typically lead to a loss of protein function (PMID: 16199547), and loss-of-function variants in MSH6 are known to be pathogenic (PMID: 18269114, 24362816). Algorithms developed to predict the effect of sequence changes on RNA splicing suggest that this variant may disrupt the consensus splice site, but this prediction has not been confirmed by published transcriptional studies. This variant has not been reported in the literature in individuals with MSH6-related conditions. This variant is not present in population databases (ExAC no frequency). This sequence change affects a donor splice site in intron 3 of the MSH6 gene. It is expected to disrupt RNA splicing and likely results in an absent or disrupted protein product.

Literature cited by the submitters: PubMed 16199547 (cited by Labcorp Genetics (formerly Invitae), Labcorp); PubMed 18269114 (cited by Labcorp Genetics (formerly Invitae), Labcorp); PubMed 24362816 (cited by Labcorp Genetics (formerly Invitae), Labcorp).